The following is an entry in ClinVar:

ClinVar aggregate classification (germline): Pathogenic/Likely pathogenic. Review status: criteria provided, multiple submitters, no conflicts (2 of 4 stars). 3 submissions from 3 submitters: Pathogenic (2); Likely pathogenic (1). Last evaluated 2026-07-23.

Conditions:
LRTOMT-related disorders.
LRTOMT-related disorder. Also called: LRTOMT-related condition.

Submissions (3):

PreventionGenetics, part of Exact Sciences
Classification: Pathogenic for LRTOMT-related condition. Last evaluated: 2026-07-23. Review status: criteria provided, single submitter. Criteria: ACMG Guidelines, 2015. Collection method: clinical testing. Allele origin: germline.
Comment: The LRTOMT c.96_109del14 variant is predicted to result in a frameshift and premature protein termination (p.Thr33Hisfs*57). This variant was reported in the homozygous state in an individual with non-syndromic hearing loss (Strauss et al. 2018. PubMed ID: 28726809; Crowgey et al. 2019. PubMed ID: 31028937). This variant is reported in 0.0034% of alleles in individuals of European (Non-Finnish) descent in gnomAD. Frameshift variants in LRTOMT are expected to be pathogenic. This variant is interpreted as pathogenic.

Labcorp Genetics (formerly Invitae), Labcorp
Classification: Pathogenic. Last evaluated: 2025-10-08. Review status: criteria provided, single submitter. Criteria: Invitae Variant Classification Sherloc (09022015). Collection method: clinical testing. Allele origin: germline.
Comment: This sequence change creates a premature translational stop signal (p.Thr33Hisfs*57) in the LRTOMT gene. It is expected to result in an absent or disrupted protein product. Loss-of-function variants in LRTOMT are known to be pathogenic (PMID: 18953341, 23053991). This variant is present in population databases (rs769877492, gnomAD 0.004%). This premature translational stop signal has been observed in individual(s) with nonsyndromic deafness (PMID: 28726809). This variant is also known as c.95_108delGGACCATGTCCCCT. ClinVar contains an entry for this variant (Variation ID: 1376047). For these reasons, this variant has been classified as Pathogenic.

Blueprint Genetics
Classification: Likely pathogenic for LRTOMT-related disorders. Last evaluated: 2024-07-29. Review status: criteria provided, single submitter. Criteria: ACMG Guidelines, 2015. Collection method: clinical testing. Allele origin: germline. Affected: yes. Observed: 2 variant alleles.

Literature cited by the submitters: PubMed 18953341 (cited by Labcorp Genetics (formerly Invitae), Labcorp); PubMed 23053991 (cited by Labcorp Genetics (formerly Invitae), Labcorp); PubMed 28726809 (cited by Labcorp Genetics (formerly Invitae), Labcorp).

NM_001145308.5(LRTOMT):c.96_109del (p.Thr33fs)

Genes: LRTOMT (leucine rich transmembrane and O-methyltransferase domain containing; plus strand), TOMT (transmembrane O-methyltransferase; plus strand). Cytogenetic location: 11q13.4.
Variant type: Deletion.
Coding change: c.96_109del on transcript NM_001145308.5; coding-DNA positions 96 to 109, 14 bases deleted (GACCATGTCCCCTG).
Protein change: p.Thr33fs; shifts the reading frame from threonine 33.
Molecular consequence: frameshift variant. On other transcripts: initiator codon variant (1), intron variant (1).
Genome position (GRCh38, 1-based): chr11:72,105,948-72,105,961, GACCATGTCCCCTG deleted; deleting any 14 consecutive bases within chr11:72,105,947-72,105,961 gives the same sequence; the c. name uses the placement nearest the transcript's 3' end. VCF-style (leftmost placement, unchanged base first): chr11-72105946-GGGACCATGTCCCCT-G. GRCh37 (hg19) VCF-style: chr11-71816992-GGGACCATGTCCCCT-G.
Other names: c.-4_10del, p.Met1fs (NM_001393500.2); c.96_109del, p.Thr33fs (NM_001145309.4); c.84-108_84-95del (NM_001145310.4); c.96_109del14 (NM_001145309.3); short protein forms T33fs, M1fs.
Identifiers: ClinVar variation 1376047 (VCV001376047.9), dbSNP rs769877492, ClinGen allele CA6168565.